The following is an entry in ClinVar:

NM_031229.4(RBCK1):c.666G>C (p.Glu222Asp)

Gene: RBCK1 (RANBP2-type and C3HC4-type zinc finger containing 1; plus strand). Cytogenetic location: 20p13.
Variant type: single nucleotide variant.
Coding change: c.666G>C on transcript NM_031229.4 (MANE Select); coding-DNA position 666, G replaced by C.
Protein change: p.Glu222Asp; replaces glutamic acid 222 with aspartic acid.
Molecular consequence: missense variant. On other transcripts: non-coding transcript variant (1).
Genome position (GRCh38, 1-based): chr20:419,641, G>C. VCF-style: chr20-419641-G-C. GRCh37 (hg19) VCF-style: chr20-400285-G-C.
Other names: c.317G>C, p.Arg106Thr (NM_001323956.2, NM_001323958.2); c.540G>C, p.Glu180Asp (NM_006462.6); c.666G>C (NM_031229.2); short protein forms E180D, E222D, R106T.
Identifiers: ClinVar variation 1026288 (VCV001026288.8), dbSNP rs754967314, ClinGen allele CA9723150.
Genomic context (GRCh38, chr20:419,641, plus strand): 5'-CACCTTCATCAACAAGCCCACGCGGCCTGGCTGTGAGATGTGCTGCCGGGCGCGCCCCGA[G>C]GCCTACCAGGTCCCCGCCTCATACCAGCCCGACGAGGAGGAGCGAGCGCGCCTGGCGGGC-3'
Protein context (NP_112506.2, residues 212-232): GCEMCCRARP[Glu222Asp]AYQVPASYQP

ClinVar aggregate classification (germline): Uncertain significance. Review status: criteria provided, multiple submitters, no conflicts (2 of 4 stars). 2 submissions from 2 submitters: Uncertain significance (2). Last evaluated 2025-01-16.

Conditions:
Polyglucosan body myopathy type 1 (PGBM1). Also called: POLYGLUCOSAN BODY MYOPATHY WITHOUT IMMUNODEFICIENCY; Polyglucosan body myopathy 1 with or without immunodeficiency. Identifiers: Orphanet 329173, Orphanet 397937, MedGen C4014605, MONDO:0014389, OMIM 615895.
Inborn genetic diseases. Identifiers: MedGen C0950123, MeSH D030342.

Allele frequency attached by ClinVar (database versions not stated): gnomAD exomes below 0.00001 and 0.00001; ExAC 0.00002.

Submissions (2):

Ambry Genetics
Classification: Uncertain significance for Inborn genetic diseases. Last evaluated: 2025-01-16. Review status: criteria provided, single submitter. Criteria: Ambry Variant Classification Scheme 2023. Collection method: clinical testing. Allele origin: germline.

Labcorp Genetics (formerly Invitae), Labcorp
Classification: Uncertain significance for Polyglucosan body myopathy type 1. Last evaluated: 2020-09-15. Review status: criteria provided, single submitter. Criteria: Invitae Variant Classification Sherloc (09022015). Collection method: clinical testing. Allele origin: germline.
Comment: In summary, the available evidence is currently insufficient to determine the role of this variant in disease. Therefore, it has been classified as a Variant of Uncertain Significance. Algorithms developed to predict the effect of missense changes on protein structure and function are either unavailable or do not agree on the potential impact of this missense change (SIFT: "Not Available"; PolyPhen-2: "Benign"; Align-GVGD: "Not Available"). This variant has not been reported in the literature in individuals with RBCK1-related conditions. This variant is present in population databases (rs754967314, ExAC 0.01%). This sequence change replaces glutamic acid with aspartic acid at codon 222 of the RBCK1 protein (p.Glu222Asp). The glutamic acid residue is highly conserved and there is a small physicochemical difference between glutamic acid and aspartic acid.